The following is an entry in ClinVar:

NM_018914.3(PCDHGA11):c.1883G>A (p.Arg628His)

Genes: PCDHG@ (protocadherin gamma cluster; plus strand), PCDHGA1 (protocadherin gamma subfamily A, 1; plus strand), PCDHGA10 (protocadherin gamma subfamily A, 10; plus strand), PCDHGA11 (protocadherin gamma subfamily A, 11; plus strand), PCDHGA2 (protocadherin gamma subfamily A, 2; plus strand) and 14 more. Cytogenetic location: 5q31.3.
Variant type: single nucleotide variant.
Coding change: c.1883G>A on transcript NM_018914.3 (MANE Select); coding-DNA position 1883, G replaced by A.
Protein change: p.Arg628His; replaces arginine 628 with histidine.
Molecular consequence: missense variant. On other transcripts: intron variant (18).
Genome position (GRCh38, 1-based): chr5:141,423,110, G>A. VCF-style: chr5-141423110-G-A. GRCh37 (hg19) VCF-style: chr5-140802677-G-A.
Other names: NC_000005.9:g.140802677G>A; c.1883G>A, p.Arg628His (NM_032091.2); c.2422-71697G>A (NM_018912.3); c.2425-71697G>A (NM_018915.4, NM_018916.4); c.2409+70441G>A (NM_018922.3); c.2514+65489G>A (NM_018917.4); c.2421+60554G>A (NM_018923.3); c.2421+56359G>A (NM_018918.3); and 11 more; short protein forms R628H.
Identifiers: ClinVar variation 3904885 (VCV003904885.11).
Genomic context (GRCh38, chr5:141,423,110, plus strand): 5'-GCCTGCTTAAGGCCAGCGAGCCGGGACTCTTCGCGGTGGGGGAGCACACGGGCGAGGTGC[G>A]TACAGCGCGGGCACTGCTGGACAGAGACGCGCTCAAGCAGAGCCTCGTGGTGGCCGTCCA-3'
Protein context (NP_061737.1, residues 618-638): FAVGEHTGEV[Arg628His]TARALLDRDA

ClinVar aggregate classification (germline): Benign (1 of 4 stars; one submission).

gnomAD v4.1: 25,324 of 1,613,842 alleles (1.6%); highest among the groups gnomAD compares: Non-Finnish European, 1.9%; 257 homozygotes.

Submissions (8):

CeGaT Center for Human Genetics Tuebingen
Classification: Benign. Last evaluated: 2025-05-01. Review status: criteria provided, single submitter. Criteria: CeGaT Center For Human Genetics Tuebingen Variant Classification Criteria Version 2. Collection method: clinical testing. Allele origin: germline. Affected: yes. Observed: 1 variant allele.
Comment: PCDHGA11: BP4, BS1, BS2

Dr. Peter K. Rogan Lab, Western University
No classification provided (evidence only). Condition: Nonpapillary renal cell carcinoma. Review status: no classification provided. Collection method: in vitro. Allele origin: not applicable. Functional consequence: retained intron. Not counted in ClinVar's aggregate classification.

Dr. Peter K. Rogan Lab, Western University
No classification provided (evidence only). Condition: Familial pancreatic carcinoma. Review status: no classification provided. Collection method: in vitro. Allele origin: not applicable. Functional consequence: retained intron. Not counted in ClinVar's aggregate classification.

Dr. Peter K. Rogan Lab, Western University
No classification provided (evidence only). Condition: Familial pancreatic carcinoma. Review status: no classification provided. Collection method: in vitro. Allele origin: not applicable. Functional consequence: retained intron. Not counted in ClinVar's aggregate classification.

Dr. Peter K. Rogan Lab, Western University
No classification provided (evidence only). Condition: Familial pancreatic carcinoma. Review status: no classification provided. Collection method: in vitro. Allele origin: not applicable. Functional consequence: retained intron. Not counted in ClinVar's aggregate classification.

Dr. Peter K. Rogan Lab, Western University
No classification provided (evidence only). Condition: Familial pancreatic carcinoma. Review status: no classification provided. Collection method: in vitro. Allele origin: not applicable. Functional consequence: retained intron. Not counted in ClinVar's aggregate classification.

Dr. Peter K. Rogan Lab, Western University
No classification provided (evidence only). Condition: Familial pancreatic carcinoma. Review status: no classification provided. Collection method: in vitro. Allele origin: not applicable. Functional consequence: retained intron. Not counted in ClinVar's aggregate classification.

Dr. Peter K. Rogan Lab, Western University
No classification provided (evidence only). Condition: Ovarian cancer. Review status: no classification provided. Collection method: in vitro. Allele origin: not applicable. Functional consequence: retained intron. Not counted in ClinVar's aggregate classification.